The following is an entry in ClinVar:

ClinVar aggregate classification (germline): Conflicting classifications of pathogenicity. Review status: criteria provided, conflicting classifications (1 of 4 stars). 11 submissions from 11 submitters: Uncertain significance (3); Benign (1); Likely benign (6). 1 of the submissions does not count toward it. Last evaluated 2026-01-13.

Conditions:
Cardiovascular phenotype. Identifiers: MedGen CN230736.
TTN-related disorder. Also called: TTN-related condition; TTN-related disease; TTN-related disorders.
Dilated cardiomyopathy 1G (CMD1G). Identifiers: Orphanet 154, MedGen C1858763, MONDO:0011400, OMIM 604145.
Autosomal recessive limb-girdle muscular dystrophy type 2J (LGMDR10). Also called: MUSCULAR DYSTROPHY, LIMB-GIRDLE, AUTOSOMAL RECESSIVE 10; Limb-girdle muscular dystrophy, type 2J. Identifiers: Orphanet 140922, MedGen C1837342, MONDO:0012127, OMIM 608807.
Cardiomyopathy (CMYO). Also called: Cardiomyopathies. Identifiers: Orphanet 167848, MedGen C0878544, MONDO:0004994, HP:0001638. Inheritance: Various modes of inheritance.

Allele frequency attached by ClinVar (database versions not stated): gnomAD exomes 0.00010; ExAC 0.00014; 1000 Genomes Project 30x 0.00016; 1000 Genomes Project 0.00020; ESP Exome Variant Server 0.00040; gnomAD 0.00040 and 0.00045; TOPMed 0.00042.
gnomAD v4.1: 126 of 1,613,250 alleles (0.0078%); highest among the groups gnomAD compares: African/African-American, 0.13%; no homozygotes.

Submissions (11):

Labcorp Genetics (formerly Invitae), Labcorp
Classification: Likely benign for Dilated cardiomyopathy 1G; Autosomal recessive limb-girdle muscular dystrophy type 2J. Last evaluated: 2026-01-13. Review status: criteria provided, single submitter. Criteria: Invitae Variant Classification Sherloc (09022015). Collection method: clinical testing. Allele origin: germline.

Mayo Clinic Laboratories, Mayo Clinic
Classification: Uncertain significance. Last evaluated: 2025-11-01. Review status: criteria provided, single submitter. Criteria: ACMG Guidelines, 2015. Collection method: clinical testing. Allele origin: germline. Observed: 3 variant alleles.
Comment: BP4_moderate

Molecular Diagnostic Laboratory for Inherited Cardiovascular Disease, Montreal Heart Institute
Classification: Likely benign. Last evaluated: 2025-04-09. Review status: criteria provided, single submitter. Criteria: ACMG Guidelines, 2015. Collection method: clinical testing. Allele origin: germline. Affected: no.
Comment: BS1;BP1

Women's Health and Genetics/Laboratory Corporation of America, LabCorp
Classification: Likely benign. Last evaluated: 2023-11-20. Review status: criteria provided, single submitter. Criteria: LabCorp Variant Classification Summary - May 2015. Collection method: clinical testing. Allele origin: germline.
Comment: Variant summary: TTN c.33784G>A (p.Val11262Ile) results in a conservative amino acid change located in the I-band region of the encoded protein sequence. Four of five in-silico tools predict a benign effect of the variant on protein function. The variant allele was found at a frequency of 0.0001 in 248378 control chromosomes, predominantly at a frequency of 0.0012 within the African or African-American subpopulation in the gnomAD database. The observed variant frequency within African or African-American control individuals in the gnomAD database is approximately 3-fold of the estimated maximal expected allele frequency for a pathogenic variant in TTN causing Dilated Cardiomyopathy phenotype (0.00039), strongly suggesting that the variant is a benign polymorphism found primarily in populations of African or African-American origin. To our knowledge, no occurrence of c.33784G>A in individuals affected with Dilated Cardiomyopathy and no experimental evidence demonstrating its impact on protein function have been reported. Six submitters have reported clinical-significance assessments for this variant to ClinVar after 2014. Multiple submitters reported the variant with conflicting assessments (benign, n = 1; likely benign, n = 3; uncertain significance, n = 2). Based on the evidence outlined above, the variant was classified as likely benign.

Revvity Omics, Revvity
Classification: Likely benign. Last evaluated: 2023-04-04. Review status: criteria provided, single submitter. Criteria: ACMG Guidelines, 2015. Collection method: clinical testing. Allele origin: germline.

GeneDx
Classification: Likely benign. Last evaluated: 2020-06-02. Review status: criteria provided, single submitter. Criteria: GeneDx Variant Classification Process June 2021. Collection method: clinical testing. Allele origin: germline. Affected: yes.

CHEO Genetics Diagnostic Laboratory, Children's Hospital of Eastern Ontario
Classification: Benign for Cardiomyopathy. Last evaluated: 2020-05-08. Review status: criteria provided, single submitter. Criteria: ACMG Guidelines, 2015. Collection method: clinical testing. Allele origin: germline.

Athena Diagnostics
Classification: Likely benign. Last evaluated: 2018-10-30. Review status: criteria provided, single submitter. Criteria: Athena Diagnostics Criteria. Collection method: clinical testing. Allele origin: germline.

Eurofins Ntd Llc (ga)
Classification: Uncertain significance. Last evaluated: 2015-06-11. Review status: criteria provided, single submitter. Criteria: EGL Classification Definitions 2015. Collection method: clinical testing. Allele origin: germline. Observed: 3 variant alleles, 3 heterozygotes.

Ambry Genetics
Classification: Uncertain significance for Cardiovascular phenotype. Last evaluated: 2013-09-25. Review status: criteria provided, single submitter. Criteria: Ambry Autosomal Dominant and X-Linked criteria (10/2015). Collection method: clinical testing. Allele origin: germline. Observed: 1 variant allele.
Comment: The p.V11262I variant (also known as c.33784G>A) is located in coding exon 174 of the TTN gene. This alteration results from a G to A substitution at nucleotide position 33784. The valine at codon 11262 is replaced by isoleucine, an amino acid with highly similar properties. Ã¢â‚¬â€¹ Ã¢â‚¬â€¹This variant was previously reported in the SNPDatabase as rs149059189. Based on data from the NHLBI Exome Sequencing Project (ESP), the A-allele has an overall frequency of approximately 0.04% (5/12,442), having been observed in 0.12% (5/4078) of African American alleles, and not observed in 8364 European American alleles studied. Based on data from the 1000 Genomes Project, the A-allele has an overall frequency of approximately 0.05% (1/2184). The highest observed frequency was 0.52% (1/194) Luhya chromosomes studied. This amino acid position is poorly conserved in available vertebrate species. This variant is predicted to be benign by PolyPhen in silico analyses. Since supporting evidence is limited at this time, the clinical significance of p.V11262I remains unclear.

PreventionGenetics, part of Exact Sciences
Classification: Likely benign for TTN-related condition. Last evaluated: 2024-03-13. Review status: no assertion criteria provided. Collection method: clinical testing. Allele origin: germline. Not counted in ClinVar's aggregate classification.
Comment: This variant is classified as likely benign based on ACMG/AMP sequence variant interpretation guidelines (Richards et al. 2015 PMID: 25741868, with internal and published modifications).

NM_001267550.2(TTN):c.41488G>A (p.Val13830Ile)

Gene: TTN (titin; minus strand). Cytogenetic location: 2q31.2.
Variant type: single nucleotide variant.
Coding change: c.41488G>A on transcript NM_001267550.2 (MANE Select); coding-DNA position 41488, G replaced by A.
Protein change: p.Val13830Ile; replaces valine 13830 with isoleucine.
Molecular consequence: missense variant.
Genome position (GRCh38, 1-based): chr2:178,636,083, C>T on the plus strand (G>A on the coding strand, the complement: TTN is on the minus strand). VCF-style: chr2-178636083-C-T. GRCh37 (hg19) VCF-style: chr2-179500810-C-T.
Other names: p.V12189I:GTC>ATC; p.Val11262Ile; c.36565G>A, p.Val12189Ile (NM_001256850.1); c.14293G>A, p.Val4765Ile (NM_003319.4); c.33784G>A, p.Val11262Ile (NM_133378.4); c.14668G>A, p.Val4890Ile (NM_133432.3); c.14869G>A, p.Val4957Ile (NM_133437.4); short protein forms V12189I, V13830I, V11262I, V4957I, V4765I, V4890I.
Identifiers: ClinVar variation 202620 (VCV000202620.31), dbSNP rs149059189, ClinGen allele CA309778.